The following is an entry in ClinVar:

ClinVar aggregate classification (germline): Benign/Likely benign. Review status: criteria provided, multiple submitters, no conflicts (2 of 4 stars). 9 submissions from 8 submitters: Benign (3); Likely benign (6). Last evaluated 2026-07-01.

Conditions:
Early-infantile DEE. Also called: Early infantile epileptic encephalopathy with suppression bursts; Ohtahara syndrome; Early infantile epileptic encephalopathy. Identifiers: Orphanet 1934, MedGen C0393706, MONDO:0800491.
Inborn genetic diseases. Identifiers: MedGen C0950123, MeSH D030342.
Migraine, familial hemiplegic, 3. Identifiers: Orphanet 569, MedGen C1864987, MONDO:0012320, OMIM 609634.
Generalized epilepsy with febrile seizures plus, type 2 (GEFSP2). Also called: GEFS+, TYPE 2. Identifiers: Orphanet 36387, MedGen C1858673, MONDO:0011461, OMIM 604403.

Allele frequency attached by ClinVar (database versions not stated): gnomAD 0.00062 and 0.00084; ESP Exome Variant Server 0.00069; TOPMed 0.00074; gnomAD exomes 0.00111 and 0.00171; 1000 Genomes Project 0.00180; ExAC 0.00186; 1000 Genomes Project 30x 0.00203.
gnomAD v4.1: 1,763 of 1,613,352 alleles (0.11%); highest among the groups gnomAD compares: South Asian, 0.81%; 11 homozygotes.

Submissions (9):

CeGaT Center for Human Genetics Tuebingen
Classification: Likely benign. Last evaluated: 2026-07-01. Review status: criteria provided, single submitter. Criteria: CeGaT Center For Human Genetics Tuebingen Variant Classification Criteria Version 2. Collection method: clinical testing. Allele origin: germline. Affected: yes. Observed: 22 variant alleles.
Comment: SCN1A: BP4, BP7, BS1

Labcorp Genetics (formerly Invitae), Labcorp
Classification: Benign for Early-infantile DEE. Last evaluated: 2026-02-03. Review status: criteria provided, single submitter. Criteria: Invitae Variant Classification Sherloc (09022015). Collection method: clinical testing. Allele origin: germline.

Blueprint Genetics
Classification: Likely benign. Last evaluated: 2024-11-19. Review status: criteria provided, single submitter. Criteria: ACMG Guidelines, 2015. Collection method: clinical testing. Allele origin: germline.

Illumina Laboratory Services, Illumina
Classification: Benign for Migraine, familial hemiplegic, 3. Last evaluated: 2018-01-13. Review status: criteria provided, single submitter. Criteria: ICSL Variant Classification Criteria 13 December 2019. Collection method: clinical testing. Allele origin: germline.
Comment: This variant was observed in the ICSL laboratory as part of a predisposition screen in an ostensibly healthy population. It had not been previously curated by ICSL or reported in the Human Gene Mutation Database (HGMD: prior to June 1st, 2018), and was therefore a candidate for classification through an automated scoring system. Utilizing variant allele frequency, disease prevalence and penetrance estimates, and inheritance mode, an automated score was calculated to assess if this variant is too frequent to cause the disease. Based on the score and internal cut-off values, a variant classified as benign is not then subjected to further curation. The score for this variant resulted in a classification of benign for this disease.

Illumina Laboratory Services, Illumina
Classification: Likely benign for Generalized epilepsy with febrile seizures plus, type 2. Last evaluated: 2018-01-13. Review status: criteria provided, single submitter. Criteria: ICSL Variant Classification Criteria 13 December 2019. Collection method: clinical testing. Allele origin: germline.
Comment: This variant was observed in the ICSL laboratory as part of a predisposition screen in an ostensibly healthy population. It had not been previously curated by ICSL or reported in the Human Gene Mutation Database (HGMD: prior to June 1st, 2018), and was therefore a candidate for classification through an automated scoring system. Utilizing variant allele frequency, disease prevalence and penetrance estimates, and inheritance mode, an automated score was calculated to assess if this variant is too frequent to cause the disease. Based on the score and internal cut-off values, a variant classified as likely benign is not then subjected to further curation. The score for this variant resulted in a classification of likely benign for this disease.

Ambry Genetics
Classification: Likely benign for Inborn genetic diseases. Last evaluated: 2016-05-31. Review status: criteria provided, single submitter. Criteria: Ambry Variant Classification Scheme 2023. Collection method: clinical testing. Allele origin: germline.

Eurofins Ntd Llc (ga)
Classification: Likely benign. Last evaluated: 2014-12-18. Review status: criteria provided, single submitter. Criteria: EGL Classification Definitions 2015. Collection method: clinical testing. Allele origin: germline. Observed: 1 variant allele, 1 heterozygote.

GeneDx
Classification: Benign. Last evaluated: 2014-06-12. Review status: criteria provided, single submitter. Criteria: GeneDx Variant Classification (06012015). Collection method: clinical testing. Allele origin: germline. Affected: yes.
Comment: This variant is considered likely benign or benign based on one or more of the following criteria: it is a conservative change, it occurs at a poorly conserved position in the protein, it is predicted to be benign by multiple in silico algorithms, and/or has population frequency not consistent with disease.

Breakthrough Genomics
Classification: Likely benign. Review status: criteria provided, single submitter. Criteria: ACMG Guidelines, 2015. Collection method: not provided. Allele origin: germline. Inheritance: Autosomal dominant inheritance. Affected: yes.

NM_001165963.4(SCN1A):c.2421C>T (p.Phe807=)

Gene: SCN1A (sodium voltage-gated channel alpha subunit 1; minus strand). Cytogenetic location: 2q24.3.
Variant type: single nucleotide variant.
Coding change: c.2421C>T on transcript NM_001165963.4 (MANE Select); coding-DNA position 2421, C replaced by T.
Protein change: p.Phe807=; no amino-acid change (phenylalanine 807 retained).
Molecular consequence: synonymous variant. On other transcripts: 5 prime UTR variant (1), non-coding transcript variant (1).
Genome position (GRCh38, 1-based): chr2:166,039,591, G>A on the plus strand (C>T on the coding strand, the complement: SCN1A is on the minus strand). VCF-style: chr2-166039591-G-A. GRCh37 (hg19) VCF-style: chr2-166896101-G-A.
Other names: p.F807F:TTC>TTT; c.2337C>T, p.Phe779= (NM_001165964.3, NM_001353957.2, NM_001353958.2); c.2421C>T, p.Phe807= (NM_001202435.3, NM_001353948.2); c.2388C>T, p.Phe796= (NM_001353949.2, NM_001353950.2, NM_001353951.2 and 2 more transcripts); c.2385C>T, p.Phe795= (NM_001353954.2, NM_001353955.2); c.2334C>T, p.Phe778= (NM_001353960.2); c.-22C>T (NM_001353961.2).
Identifiers: ClinVar variation 194359 (VCV000194359.54), dbSNP rs145101180, ClinGen allele CA302752.